The following is an entry in ClinVar:

NM_002435.3(MPI):c.163C>T (p.Pro55Ser)

Gene: MPI (mannose phosphate isomerase; plus strand). Cytogenetic location: 15q24.1.
Variant type: single nucleotide variant.
Coding change: c.163C>T on transcript NM_002435.3 (MANE Select); coding-DNA position 163, C replaced by T.
Protein change: p.Pro55Ser; replaces proline 55 with serine.
Molecular consequence: missense variant.
Genome position (GRCh38, 1-based): chr15:74,891,397, C>T. VCF-style: chr15-74891397-C-T. GRCh37 (hg19) VCF-style: chr15-75183738-C-T.
Other names: c.163C>T (NM_002435.1); c.163C>T, p.Pro55Ser (NM_001289155.2, NM_001289157.2); c.13C>T, p.Pro5Ser (NM_001289156.2); c.103C>T, p.Pro35Ser (NM_001330372.2); short protein forms P35S, P55S, P5S.
Identifiers: ClinVar variation 3051870 (VCV003051870.3), dbSNP rs751320033, ClinGen allele CA7662383.

ClinVar aggregate classification (germline): Uncertain significance. Review status: criteria provided, single submitter (1 of 4 stars). 2 submissions from 2 submitters: Uncertain significance (1). 1 of the submissions does not count toward it. Last evaluated 2025-08-01.

Conditions:
MPI-related disorder. Also called: MPI-related condition.
Inborn genetic diseases. Identifiers: MedGen C0950123, MeSH D030342.

Allele frequency attached by ClinVar (database versions not stated): ExAC 0.00002; gnomAD 0.00002; TOPMed 0.00002.

Submissions (2):

Ambry Genetics
Classification: Uncertain significance for Inborn genetic diseases. Last evaluated: 2025-08-01. Review status: criteria provided, single submitter. Criteria: Ambry Variant Classification Scheme 2023. Collection method: clinical testing. Allele origin: germline.

PreventionGenetics, part of Exact Sciences
Classification: Uncertain significance for MPI-related condition. Last evaluated: 2024-02-07. Review status: no assertion criteria provided. Collection method: clinical testing. Allele origin: germline. Not counted in ClinVar's aggregate classification.
Comment: The MPI c.163C>T variant is predicted to result in the amino acid substitution p.Pro55Ser. To our knowledge, this variant has not been reported in the literature. This variant is reported in 0.0018% of alleles in individuals of European (Non-Finnish) descent in gnomAD. At this time, the clinical significance of this variant is uncertain due to the absence of conclusive functional and genetic evidence.